The following is an entry in ClinVar:

NM_001034850.3(RETREG1):c.31G>A (p.Glu11Lys)

Genes: RETREG1 (reticulophagy regulator 1; minus strand), RETREG1-AS1 (RETREG1 antisense RNA 1; plus strand), LOC129993734 (ATAC-STARR-seq lymphoblastoid silent region 15947; plus strand). Cytogenetic location: 5p15.1.
Variant type: single nucleotide variant.
Coding change: c.31G>A on transcript NM_001034850.3 (MANE Select); coding-DNA position 31, G replaced by A.
Protein change: p.Glu11Lys; replaces glutamic acid 11 with lysine.
Molecular consequence: missense variant.
Genome position (GRCh38, 1-based): chr5:16,616,941, C>T on the plus strand (G>A on the coding strand, the complement: RETREG1 is on the minus strand). VCF-style: chr5-16616941-C-T. GRCh37 (hg19) VCF-style: chr5-16617050-C-T.
Other names: c.31G>A (NM_001034850.1); short protein forms E11K.
Identifiers: ClinVar variation 452302 (VCV000452302.14), dbSNP rs1352810971, ClinGen allele CA359293171.
Genomic context (GRCh38, chr5:16,616,941, plus strand): 5'-GGGGCGGTGGCGGCGACGGCGGCGCCTGCTCCTCGGCGGCAGGAGCCGGGCATCCCTCCT[C>T]GGCGTGCTCCGGAGGCGCCGGGCTCGCCATCTTCAGCTGTGCTTCCAGACAGGGACGGGG-3'
Protein context (NP_001030022.1, residues 1-21): MASPAPPEHA[Glu11Lys]EGCPAPAAEE

ClinVar aggregate classification (germline): Uncertain significance. Review status: criteria provided, multiple submitters, no conflicts (2 of 4 stars). 3 submissions from 3 submitters: Uncertain significance (3). Last evaluated 2025-01-28.

Conditions:
Inborn genetic diseases. Identifiers: MedGen C0950123, MeSH D030342.

Allele frequency attached by ClinVar (database versions not stated): TOPMed 0.00001; gnomAD exomes 0.00005 and below 0.00001; gnomAD 0.00001.
gnomAD v4.1: 6 of 1,457,772 alleles (0.00041%); highest among the groups gnomAD compares: Admixed American, 0.012%; no homozygotes.

Submissions (3):

Ambry Genetics
Classification: Uncertain significance for Inborn genetic diseases. Last evaluated: 2025-01-28. Review status: criteria provided, single submitter. Criteria: Ambry Variant Classification Scheme 2023. Collection method: clinical testing. Allele origin: germline.

GeneDx
Classification: Uncertain significance. Last evaluated: 2022-01-25. Review status: criteria provided, single submitter. Criteria: GeneDx Variant Classification Process June 2021. Collection method: clinical testing. Allele origin: germline. Affected: yes.
Comment: In silico analysis supports that this missense variant does not alter protein structure/function; Has not been previously published as pathogenic or benign to our knowledge

Labcorp Genetics (formerly Invitae), Labcorp
Classification: Uncertain significance. Last evaluated: 2020-10-20. Review status: criteria provided, single submitter. Criteria: Invitae Variant Classification Sherloc (09022015). Collection method: clinical testing. Allele origin: germline.
Comment: In summary, the available evidence is currently insufficient to determine the role of this variant in disease. Therefore, it has been classified as a Variant of Uncertain Significance. Experimental studies and prediction algorithms are not available or were not evaluated, and the functional significance of this variant is currently unknown. This variant has not been reported in the literature in individuals with RETREG1-related conditions. ClinVar contains an entry for this variant (Variation ID: 452302). The frequency data for this variant in the population databases is considered unreliable, as metrics indicate insufficient coverage at this position in the ExAC database. This sequence change replaces glutamic acid with lysine at codon 11 of the RETREG1 protein (p.Glu11Lys). The glutamic acid residue is weakly conserved and there is a small physicochemical difference between glutamic acid and lysine.